The following is an entry in ClinVar:

ClinVar aggregate classification (germline): Uncertain significance (0 of 4 stars; one submission).

Conditions:
TRMU-related disorder. Also called: TRMU-related condition.

Submission:

PreventionGenetics, part of Exact Sciences
Classification: Uncertain significance for TRMU-related condition. Last evaluated: 2023-11-27. Review status: no assertion criteria provided. Collection method: clinical testing. Allele origin: germline.
Comment: The TRMU c.1040A>C variant is predicted to result in the amino acid substitution p.Asn347Thr. To our knowledge, this variant has not been reported in the literature or in a large population database, indicating this variant is rare. At this time, the clinical significance of this variant is uncertain due to the absence of conclusive functional and genetic evidence.

NM_018006.5(TRMU):c.1040A>C (p.Asn347Thr)

Gene: TRMU (tRNA mitochondrial 2-thiouridylase; plus strand). Cytogenetic location: 22q13.31.
Variant type: single nucleotide variant.
Coding change: c.1040A>C on transcript NM_018006.5 (MANE Select); coding-DNA position 1040, A replaced by C.
Protein change: p.Asn347Thr; replaces asparagine 347 with threonine.
Molecular consequence: missense variant. On other transcripts: non-coding transcript variant (2), intron variant (2).
Genome position (GRCh38, 1-based): chr22:46,356,011, A>C. VCF-style: chr22-46356011-A-C. GRCh37 (hg19) VCF-style: chr22-46751908-A-C.
Other names: c.*484A>C (NM_001008568.2); c.*578A>C (NM_001008570.2); c.698A>C, p.Asn233Thr (NM_001282782.2); c.620A>C, p.Asn207Thr (NM_001282783.2); c.1018+423A>C (NM_001282785.2); c.598+423A>C (NM_001282784.2); short protein forms N207T, N233T, N347T.
Identifiers: ClinVar variation 3039296 (VCV003039296.2), dbSNP rs2518216264, ClinGen allele CA411916832.